The following is an entry in ClinVar:

NM_001386140.1(MTTP):c.137G>A (p.Arg46Gln)

Gene: MTTP (microsomal triglyceride transfer protein; plus strand). Cytogenetic location: 4q23.
Variant type: single nucleotide variant.
Coding change: c.137G>A on transcript NM_001386140.1 (MANE Select); coding-DNA position 137, G replaced by A.
Protein change: p.Arg46Gln; replaces arginine 46 with glutamine.
Molecular consequence: missense variant. On other transcripts: 5 prime UTR variant (1).
Genome position (GRCh38, 1-based): chr4:99,581,980, G>A. VCF-style: chr4-99581980-G-A. GRCh37 (hg19) VCF-style: chr4-100503137-G-A.
Other names: c.137G>A, p.Arg46Gln (NM_000253.4); c.-113G>A (NM_001300785.2); short protein forms R46Q.
Identifiers: ClinVar variation 2138693 (VCV002138693.1), dbSNP rs777632344, ClinGen allele CA3021750.

ClinVar aggregate classification (germline): Uncertain significance (1 of 4 stars; one submission).

Allele frequency attached by ClinVar (database versions not stated): ExAC 0.00002.
gnomAD v4.1: 34 of 1,614,124 alleles (0.0021%); highest among the groups gnomAD compares: Non-Finnish European, 0.0025%; no homozygotes.

Submission:

Labcorp Genetics (formerly Invitae), Labcorp
Classification: Uncertain significance. Last evaluated: 2022-02-07. Review status: criteria provided, single submitter. Criteria: Invitae Variant Classification Sherloc (09022015). Collection method: clinical testing. Allele origin: germline.
Comment: This sequence change replaces arginine, which is basic and polar, with glutamine, which is neutral and polar, at codon 46 of the MTTP protein (p.Arg46Gln). This variant is present in population databases (rs777632344, gnomAD 0.006%). This variant has not been reported in the literature in individuals affected with MTTP-related conditions. Algorithms developed to predict the effect of missense changes on protein structure and function output the following: SIFT: "Tolerated"; PolyPhen-2: "Benign"; Align-GVGD: "Class C0". The glutamine amino acid residue is found in multiple mammalian species, which suggests that this missense change does not adversely affect protein function. Algorithms developed to predict the effect of sequence changes on RNA splicing suggest that this variant may create or strengthen a splice site. In summary, the available evidence is currently insufficient to determine the role of this variant in disease. Therefore, it has been classified as a Variant of Uncertain Significance.